The following is an entry in ClinVar:

ClinVar aggregate classification (germline): Uncertain significance. Review status: criteria provided, multiple submitters, no conflicts (2 of 4 stars). 2 submissions from 2 submitters: Uncertain significance (2). Last evaluated 2024-05-18.

Conditions:
Multiple endocrine neoplasia, type 1 (MEN1). Also called: MEN I; WERMER SYNDROME; Endocrine adenomatosis multiple; MEN 1; MEA I. Identifiers: Orphanet 652, MedGen C0025267, MeSH D018761, MONDO:0007540, OMIM 131100.
Hereditary cancer-predisposing syndrome. Also called: Hereditary neoplastic syndrome; Neoplastic Syndromes, Hereditary; Hereditary Cancer Syndrome; Tumor predisposition. Identifiers: Orphanet 140162, MedGen C0027672, MeSH D009386, MONDO:0015356.

Submissions (2):

Ambry Genetics
Classification: Uncertain significance for Hereditary cancer-predisposing syndrome. Last evaluated: 2024-05-18. Review status: criteria provided, single submitter. Criteria: Ambry Variant Classification Scheme 2023. Collection method: clinical testing. Allele origin: germline.
Comment: The p.P293A variant (also known as c.877C>G), located in coding exon 5 of the MEN1 gene, results from a C to G substitution at nucleotide position 877. The proline at codon 293 is replaced by alanine, an amino acid with highly similar properties. This amino acid position is conserved. In addition, the in silico prediction for this alteration is inconclusive. Based on the available evidence, the clinical significance of this variant remains unclear.

Labcorp Genetics (formerly Invitae), Labcorp
Classification: Uncertain significance for Multiple endocrine neoplasia, type 1. Last evaluated: 2021-10-21. Review status: criteria provided, single submitter. Criteria: Invitae Variant Classification Sherloc (09022015). Collection method: clinical testing. Allele origin: germline.
Comment: Algorithms developed to predict the effect of missense changes on protein structure and function (SIFT, PolyPhen-2, Align-GVGD) all suggest that this variant is likely to be tolerated. In summary, the available evidence is currently insufficient to determine the role of this variant in disease. Therefore, it has been classified as a Variant of Uncertain Significance. This variant has not been reported in the literature in individuals affected with MEN1-related conditions. This sequence change replaces proline with alanine at codon 293 of the MEN1 protein (p.Pro293Ala). The proline residue is moderately conserved and there is a small physicochemical difference between proline and alanine. This variant is not present in population databases (ExAC no frequency).

NM_001370259.2(MEN1):c.877C>G (p.Pro293Ala)

Gene: MEN1 (menin 1; minus strand). Cytogenetic location: 11q13.1.
Variant type: single nucleotide variant.
Coding change: c.877C>G on transcript NM_001370259.2 (MANE Select); coding-DNA position 877, C replaced by G.
Protein change: p.Pro293Ala; replaces proline 293 with alanine.
Molecular consequence: missense variant.
Genome position (GRCh38, 1-based): chr11:64,807,046, G>C on the plus strand (C>G on the coding strand, the complement: MEN1 is on the minus strand). VCF-style: chr11-64807046-G-C. GRCh37 (hg19) VCF-style: chr11-64574518-G-C.
Other names: c.877C>G (NM_130799.2); c.892C>G, p.Pro298Ala (NM_000244.4, NM_130800.3, NM_130801.3 and 3 more transcripts); c.877C>G, p.Pro293Ala (NM_001370251.2, NM_001370260.2, NM_001370261.2 and 1 more transcripts); c.772C>G, p.Pro258Ala (NM_001370262.2, NM_001370263.2); short protein forms P298A, P258A, P293A.
Identifiers: ClinVar variation 1387443 (VCV001387443.7), dbSNP rs2136128745, ClinGen allele CA381183551.
Genomic context (GRCh38, chr11:64,807,046, plus strand): 5'-CTGCACCCTCCTTAGATGCCCCCACCTTGTGGTAGAGGGTGAGTGGGTCTGGCCGGCCAG[G>C]GGTGGGCTCCAGCTCCTCTAGATCTGCCAGGTTCCCTAAGGCCATGGGGTACCTAGGAAA-3'
Protein context (NP_001357188.2, residues 283-303): LADLEELEPT[Pro293Ala]GRPDPLTLYH